The following is an entry in ClinVar:

ClinVar aggregate classification (germline): Uncertain significance (1 of 4 stars; one submission).

Conditions:
Renal cell carcinoma. Identifiers: Orphanet 217071, MedGen C0007134, MeSH D002292, MONDO:0005086, HP:0005584.

Submission:

Labcorp Genetics (formerly Invitae), Labcorp
Classification: Uncertain significance for Renal cell carcinoma. Last evaluated: 2025-02-12. Review status: criteria provided, single submitter. Criteria: Invitae Variant Classification Sherloc (09022015). Collection method: clinical testing. Allele origin: germline.
Comment: This sequence change creates a premature translational stop signal (p.Gln433Valfs*8) in the MET gene. It is expected to result in an absent or disrupted protein product. However, the current clinical and genetic evidence is not sufficient to establish whether loss-of-function variants in MET cause disease. This variant is not present in population databases (gnomAD no frequency). This variant has not been reported in the literature in individuals affected with MET-related conditions. Experimental studies and prediction algorithms are not available or were not evaluated, and the functional significance of this variant is currently unknown. In summary, the available evidence is currently insufficient to determine the role of this variant in disease. Therefore, it has been classified as a Variant of Uncertain Significance.

NM_000245.4(MET):c.1295_1296dup (p.Gln433fs)

Gene: MET (MET proto-oncogene, receptor tyrosine kinase; plus strand). Cytogenetic location: 7q31.2.
Variant type: Duplication.
Coding change: c.1295_1296dup on transcript NM_000245.4 (MANE Select); coding-DNA positions 1295 to 1296, 2 bases duplicated (GT; older notation c.1295_1296dupGT).
Protein change: p.Gln433fs; shifts the reading frame from glutamine 433.
Molecular consequence: frameshift variant.
Genome position (GRCh38, 1-based): chr7:116,731,762-116,731,763, GT duplicated. VCF-style (leftmost placement, unchanged base first): chr7-116731761-G-GGT. GRCh37 (hg19) VCF-style: chr7-116371815-G-GGT.
Other names: c.1295_1296dup, p.Gln433fs (NM_001127500.3, NM_001324401.3); c.5_6dup, p.Gln3fs (NM_001324402.2); short protein forms Q3fs, Q433fs.
Identifiers: ClinVar variation 4712882 (VCV004712882.1).